The following is an entry in ClinVar:

ClinVar aggregate classification (germline): Uncertain significance (1 of 4 stars; one submission).

Submissions (2):

GeneDx
Classification: Uncertain significance. Last evaluated: 2019-04-16. Review status: criteria provided, single submitter. Criteria: GeneDx Variant Classification Process June 2021. Collection method: clinical testing. Allele origin: germline. Affected: yes.
Comment: Has not been previously published in association with arrhythmia to our knowledge; Not observed at a significant frequency in large population cohorts (Lek et al., 2016); In silico analysis, which includes protein predictors and evolutionary conservation, supports a deleterious effect; This variant is associated with the following publications: (PMID: 17545244)

Roden Lab, Vanderbilt University Medical Center
No classification provided (evidence only). Condition: Long QT syndrome 5. Review status: no classification provided. Collection method: in vitro. Allele origin: not applicable. Functional consequence: Effect on ion channel function. Not counted in ClinVar's aggregate classification.
ClinVar note: "not provided" was previously submitted as the classification for the variant. However, the classification appeared to be based only on an observation of functional data so it was converted to no classification on 2025-07-30.

NM_000219.6(KCNE1):c.163G>C (p.Gly55Arg)

Gene: KCNE1 (potassium voltage-gated channel subfamily E regulatory subunit 1; minus strand). Cytogenetic location: 21q22.12.
Variant type: single nucleotide variant.
Coding change: c.163G>C on transcript NM_000219.6 (MANE Select); coding-DNA position 163, G replaced by C.
Protein change: p.Gly55Arg; replaces glycine 55 with arginine.
Molecular consequence: missense variant.
Genome position (GRCh38, 1-based): chr21:34,449,472, C>G on the plus strand (G>C on the coding strand, the complement: KCNE1 is on the minus strand). VCF-style: chr21-34449472-C-G. GRCh37 (hg19) VCF-style: chr21-35821770-C-G.
Other names: c.163G>C, p.Gly55Arg (NM_001127668.4, NM_001127669.4, NM_001127670.4 and 4 more transcripts); short protein forms G55R.
Identifiers: ClinVar variation 1305173 (VCV001305173.4), dbSNP rs199473644, ClinGen allele CA410198359.
Genomic context (GRCh38, chr21:34,449,472, plus strand): 5'-TCGAGTGCTCCAGCTTCTTGGAGCGGATGTAGCTCAGCATGATGCCCAGGGTGAAGAAGC[C>G]GAAGAATCCCAGTACCATGAGGACGTAGAGGGCCTCCAGCTTGCCGTCACTGCTGCGGGG-3'
Protein context (NP_000210.2, residues 45-65): LYVLMVLGFF[Gly55Arg]FFTLGIMLSY